The following is an entry in ClinVar:

NM_001384732.1(CPLANE1):c.2318A>G (p.Tyr773Cys)

Gene: CPLANE1 (ciliogenesis and planar polarity effector complex subunit 1; minus strand). Cytogenetic location: 5p13.2.
Variant type: single nucleotide variant.
Coding change: c.2318A>G on transcript NM_001384732.1 (MANE Select); coding-DNA position 2318, A replaced by G.
Protein change: p.Tyr773Cys; replaces tyrosine 773 with cysteine.
Molecular consequence: missense variant.
Genome position (GRCh38, 1-based): chr5:37,224,714, T>C on the plus strand (A>G on the coding strand, the complement: CPLANE1 is on the minus strand). VCF-style: chr5-37224714-T-C. GRCh37 (hg19) VCF-style: chr5-37224816-T-C.
Other names: c.2318A>G, p.Tyr773Cys (NM_023073.4); short protein forms Y773C.
Identifiers: ClinVar variation 383862 (VCV000383862.2), dbSNP rs1057521766, ClinGen allele CA16604801.
Genomic context (GRCh38, chr5:37,224,714, plus strand): 5'-TGACTATCAGCTTCAGGAACTCTTCGATTTAATTGTGCTTGATACCATAAAGTTTTTTTG[T>C]ACAGTATTCTCCAGAGAATAAGCAATCTGCACATAAAATCAGGTAATTATCAAAAGCAAA-3'
Protein context (NP_001371661.1, residues 763-783): HRLLILWRIL[Tyr773Cys]KKTLWYQAQL

ClinVar aggregate classification (germline): Uncertain significance (1 of 4 stars; one submission).

gnomAD v4.1: 2 of 1,551,006 alleles (0.00013%); highest among the groups gnomAD compares: Non-Finnish European, 0.00017%; no homozygotes.

Submission:

GeneDx
Classification: Uncertain significance. Last evaluated: 2016-02-25. Review status: criteria provided, single submitter. Criteria: GeneDx Variant Classification (06012015). Collection method: clinical testing. Allele origin: germline. Affected: yes.
Comment: A variant of uncertain significance has been identified in the C5orf42 gene. The Y773C variant has not been published as a pathogenic variant, nor has it been reported as a benign variant to our knowledge. It was not observed in approximately 2,300 individuals of European and African American ancestry in the NHLBI Exome Sequencing Project, indicating it is not a common benign variant in these populations. The Y773C variant is a non-conservative amino acid substitution, which is likely to impact secondary protein structure as these residues differ in polarity, charge, size and/or other properties. This substitution occurs at a position that is conserved across species, and in silico analysis predicts this variant is probably damaging to the protein structure/function. However, missense variants in nearby residues have not been reported in the Human Gene Mutation Database in association with JSRD (Stenson et al., 2014). Therefore, based on the currently available information, it is unclear whether this variant is a pathogenic variant or a rare benign variant.